The following is an entry in ClinVar:

NM_152383.5(DIS3L2):c.2189A>G (p.Asp730Gly)

Gene: DIS3L2 (DIS3 like 3'-5' exoribonuclease 2; plus strand). Cytogenetic location: 2q37.1.
Variant type: single nucleotide variant.
Coding change: c.2189A>G on transcript NM_152383.5 (MANE Select); coding-DNA position 2189, A replaced by G.
Protein change: p.Asp730Gly; replaces aspartic acid 730 with glycine.
Molecular consequence: missense variant. On other transcripts: non-coding transcript variant (2), intron variant (1).
Genome position (GRCh38, 1-based): chr2:232,334,399, A>G. VCF-style: chr2-232334399-A-G. GRCh37 (hg19) VCF-style: chr2-233199109-A-G.
Other names: c.1582-8946A>G (NM_001257281.2); short protein forms D730G.
Identifiers: ClinVar variation 999383 (VCV000999383.6), dbSNP rs1247245244, ClinGen allele CA350977670.

ClinVar aggregate classification (germline): Uncertain significance (1 of 4 stars; one submission).

Conditions:
Perlman syndrome (PRLMNS). Identifiers: Orphanet 2849, MedGen C0796113, MONDO:0009965, OMIM 267000.

Allele frequency attached by ClinVar (database versions not stated): TOPMed 0.00001.

Submission:

Labcorp Genetics (formerly Invitae), Labcorp
Classification: Uncertain significance for Perlman syndrome. Last evaluated: 2023-06-15. Review status: criteria provided, single submitter. Criteria: Invitae Variant Classification Sherloc (09022015). Collection method: clinical testing. Allele origin: germline.
Comment: This variant has not been reported in the literature in individuals affected with DIS3L2-related conditions. This variant is not present in population databases (gnomAD no frequency). This sequence change replaces aspartic acid, which is acidic and polar, with glycine, which is neutral and non-polar, at codon 730 of the DIS3L2 protein (p.Asp730Gly). ClinVar contains an entry for this variant (Variation ID: 999383). Advanced modeling of protein sequence and biophysical properties (such as structural, functional, and spatial information, amino acid conservation, physicochemical variation, residue mobility, and thermodynamic stability) performed at Invitae indicates that this missense variant is not expected to disrupt DIS3L2 protein function. RNA analysis performed to evaluate the impact of this missense change on mRNA splicing indicates it does not significantly alter splicing (Invitae). In summary, the available evidence is currently insufficient to determine the role of this variant in disease. Therefore, it has been classified as a Variant of Uncertain Significance.